The following is an entry in ClinVar:

NM_024577.4(SH3TC2):c.*19002A>G

Gene: SH3TC2 (SH3 domain and tetratricopeptide repeats 2; minus strand). Cytogenetic location: 5q32.
Variant type: single nucleotide variant.
Coding change: c.*19002A>G on transcript NM_024577.4 (MANE Select); 19002 bases downstream of the stop codon, A replaced by G.
Molecular consequence: 3 prime UTR variant.
Genome position (GRCh38, 1-based): chr5:148,985,709, T>C on the plus strand (A>G on the coding strand, the complement: SH3TC2 is on the minus strand). VCF-style: chr5-148985709-T-C. GRCh37 (hg19) VCF-style: chr5-148365272-T-C.
Identifiers: ClinVar variation 351606 (VCV000351606.5), dbSNP rs546701780, ClinGen allele CA10623118.

ClinVar aggregate classification (germline): Likely benign. Review status: criteria provided, single submitter (1 of 4 stars). 2 submissions from 1 submitter: Likely benign (2). Last evaluated 2018-01-12.

Conditions:
Susceptibility to mononeuropathy of the median nerve, mild. Also called: CARPAL TUNNEL SYNDROME, SUSCEPTIBILITY TO. Identifiers: MedGen C3150596, MONDO:0013237, OMIM 613353.
Charcot-Marie-Tooth disease type 4C (CMT4C). Also called: CHARCOT-MARIE-TOOTH DISEASE, DEMYELINATING, AUTOSOMAL RECESSIVE, TYPE 4C; CMT 4C; Charcot-Marie-Tooth Neuropathy Type 4C (CMT4C); CHARCOT-MARIE-TOOTH DISEASE, DEMYELINATING, TYPE 4C; SH3TC2-Related Hereditary Motor and Sensory Neuropathy. Identifiers: Orphanet 99949, MedGen C1866636, MONDO:0011113, OMIM 601596.

Allele frequency attached by ClinVar (database versions not stated): 1000 Genomes Project 30x 0.00078; gnomAD 0.00091 and 0.00097; TOPMed 0.00098; 1000 Genomes Project 0.00100.
gnomAD v4.1: 149 of 152,326 alleles (0.098%); highest among the groups gnomAD compares: Middle Eastern, 1%; no homozygotes.

Submissions (2):

Illumina Laboratory Services, Illumina
Classification: Likely benign for Charcot-Marie-Tooth disease type 4C. Last evaluated: 2018-01-12. Review status: criteria provided, single submitter. Criteria: ICSL Variant Classification Criteria 13 December 2019. Collection method: clinical testing. Allele origin: germline.
Comment: This variant was observed in the ICSL laboratory as part of a predisposition screen in an ostensibly healthy population. It had not been previously curated by ICSL or reported in the Human Gene Mutation Database (HGMD: prior to June 1st, 2018), and was therefore a candidate for classification through an automated scoring system. Utilizing variant allele frequency, disease prevalence and penetrance estimates, and inheritance mode, an automated score was calculated to assess if this variant is too frequent to cause the disease. Based on the score and internal cut-off values, a variant classified as likely benign is not then subjected to further curation. The score for this variant resulted in a classification of likely benign for this disease.

Illumina Laboratory Services, Illumina
Classification: Likely benign for Susceptibility to mononeuropathy of the median nerve, mild. Last evaluated: 2018-01-12. Review status: criteria provided, single submitter. Criteria: ICSL Variant Classification Criteria 13 December 2019. Collection method: clinical testing. Allele origin: germline.
Comment: the same text as in the submission from Illumina Laboratory Services, Illumina above.